The following is an entry in ClinVar:

ClinVar aggregate classification (germline): Pathogenic. Review status: criteria provided, single submitter (1 of 4 stars). 2 submissions from 2 submitters: Pathogenic (1). 1 of the submissions does not count toward it. Last evaluated 2024-02-22.

Conditions:
Dubin-Johnson syndrome (DJS). Also called: Jaundice, Chronic Idiopathic; Hyperbilirubinemia type 2; HYPERBILIRUBINEMIA, DUBIN-JOHNSON TYPE. Identifiers: Orphanet 234, MedGen C0022350, MONDO:0009380, OMIM 237500.

Allele frequency attached by ClinVar (database versions not stated): gnomAD 0.00001; gnomAD exomes 0.00001; TOPMed 0.00001.
gnomAD v4.1: 17 of 1,613,712 alleles (0.0011%); highest among the groups gnomAD compares: East Asian, 0.033%; no homozygotes.

Submissions (2):

Labcorp Genetics (formerly Invitae), Labcorp
Classification: Pathogenic. Last evaluated: 2024-02-22. Review status: criteria provided, single submitter. Criteria: Invitae Variant Classification Sherloc (09022015). Collection method: clinical testing. Allele origin: germline.
Comment: This sequence change affects a donor splice site in intron 15 of the ABCC2 gene. RNA analysis indicates that disruption of this splice site induces altered splicing and may result in an absent or disrupted protein product. This variant is present in population databases (rs387906396, gnomAD 0.02%). Disruption of this splice site has been observed in individual(s) with Dubin-Johnson syndrome (PMID: 9878557, 15870973, 29499989). In at least one individual the data is consistent with being in trans (on the opposite chromosome) from a pathogenic variant. ClinVar contains an entry for this variant (Variation ID: 8417). Studies have shown that disruption of this splice site results in skipping of exon 15 and introduces a premature termination codon (PMID: 9878557). The resulting mRNA is expected to undergo nonsense-mediated decay. For these reasons, this variant has been classified as Pathogenic.

OMIM
Classification: Pathogenic for DUBIN-JOHNSON SYNDROME. Last evaluated: 1998-12-18. Review status: no assertion criteria provided. Collection method: literature only. Allele origin: germline. Not counted in ClinVar's aggregate classification.

Literature cited by the submitters: PubMed 9878557 (cited by Labcorp Genetics (formerly Invitae), Labcorp and OMIM); PubMed 15870973 (cited by Labcorp Genetics (formerly Invitae), Labcorp); PubMed 29499989 (cited by Labcorp Genetics (formerly Invitae), Labcorp).

NM_000392.5(ABCC2):c.1967+2T>C

Gene: ABCC2 (ATP binding cassette subfamily C member 2; plus strand). Cytogenetic location: 10q24.2.
Variant type: single nucleotide variant.
Coding change: c.1967+2T>C on transcript NM_000392.5 (MANE Select); the canonical splice donor site of the intron after coding-DNA position 1967, T replaced by C.
Molecular consequence: splice donor variant.
Genome position (GRCh38, 1-based): chr10:99,811,604, T>C. VCF-style: chr10-99811604-T-C. GRCh37 (hg19) VCF-style: chr10-101571361-T-C.
Identifiers: ClinVar variation 8417 (VCV000008417.6), dbSNP rs387906396, ClinGen allele CA119601.